The following is an entry in ClinVar:

ClinVar aggregate classification (germline): Uncertain significance (1 of 4 stars; one submission).

Conditions:
Congenital contractural arachnodactyly (CCA). Also called: Beals-Hecht syndrome; BEALS SYNDROME; Arthrogryposis, distal, type 9. Identifiers: Orphanet 115, MedGen C0220668, MONDO:0007363, OMIM 121050.

Submission:

Labcorp Genetics (formerly Invitae), Labcorp
Classification: Uncertain significance for Congenital contractural arachnodactyly. Last evaluated: 2022-08-09. Review status: criteria provided, single submitter. Criteria: Invitae Variant Classification Sherloc (09022015). Collection method: clinical testing. Allele origin: germline.
Comment: This sequence change creates a premature translational stop signal (p.Gln2625*) in the FBN2 gene. It is expected to result in an absent or disrupted protein product. However, the current clinical and genetic evidence is not sufficient to establish whether loss-of-function variants in FBN2 cause disease. This variant is not present in population databases (gnomAD no frequency). This variant has not been reported in the literature in individuals affected with FBN2-related conditions. ClinVar contains an entry for this variant (Variation ID: 458781). In summary, the available evidence is currently insufficient to determine the role of this variant in disease. Therefore, it has been classified as a Variant of Uncertain Significance.

NM_001999.4(FBN2):c.7873C>T (p.Gln2625Ter)

Gene: FBN2 (fibrillin 2; minus strand). Cytogenetic location: 5q23.3.
Variant type: single nucleotide variant.
Coding change: c.7873C>T on transcript NM_001999.4 (MANE Select); coding-DNA position 7873, C replaced by T.
Protein change: p.Gln2625Ter; replaces glutamine 2625 with a stop codon.
Molecular consequence: nonsense.
Genome position (GRCh38, 1-based): chr5:128,272,086, G>A on the plus strand (C>T on the coding strand, the complement: FBN2 is on the minus strand). VCF-style: chr5-128272086-G-A. GRCh37 (hg19) VCF-style: chr5-127607778-G-A.
Other names: short protein forms Q2625*.
Identifiers: ClinVar variation 458781 (VCV000458781.9), dbSNP rs1554116411, ClinGen allele CA360751780.
Genomic context (GRCh38, chr5:128,272,086, plus strand): 5'-GGATGTAGCCTTGGGGGCAGCCACATCTGTAGCCACCCAGGATGTTCTGGCAGCCGTGTT[G>A]GCACCTGTGGTTCCCATCACATTCATCAACATCTGCAAAAACAAGCCCGGCAAAACCTTT-3'